The following is an entry in ClinVar:

ClinVar aggregate classification (germline): Uncertain significance (1 of 4 stars; one submission).

Submission:

CeGaT Center for Human Genetics Tuebingen
Classification: Uncertain significance. Last evaluated: 2026-07-01. Review status: criteria provided, single submitter. Criteria: CeGaT Center For Human Genetics Tuebingen Variant Classification Criteria Version 2. Collection method: clinical testing. Allele origin: germline. Affected: yes. Observed: 1 variant allele.
Comment: HYDIN: PM2, BP4

NM_001270974.2(HYDIN):c.5111G>A (p.Gly1704Glu)

Gene: HYDIN (HYDIN axonemal central pair apparatus protein; minus strand). Cytogenetic location: 16q22.2.
Variant type: single nucleotide variant.
Coding change: c.5111G>A on transcript NM_001270974.2 (MANE Select); coding-DNA position 5111, G replaced by A.
Protein change: p.Gly1704Glu; replaces glycine 1704 with glutamic acid.
Molecular consequence: missense variant.
Genome position (GRCh38, 1-based): chr16:70,973,947, C>T on the plus strand (G>A on the coding strand, the complement: HYDIN is on the minus strand). VCF-style: chr16-70973947-C-T. GRCh37 (hg19) VCF-style: chr16-71007850-C-T.
Other names: short protein forms G1704E.
Identifiers: ClinVar variation 5039283 (VCV005039283.1).